The following is an entry in ClinVar:

ClinVar aggregate classification (germline): Uncertain significance (1 of 4 stars; one submission).

Conditions:
MELAS syndrome (MELAS). Also called: Juvenile myopathy, encephalopathy, lactic acidosis, stroke. Identifiers: Orphanet 550, MedGen C0162671, MONDO:0010789, OMIM 540000.

Submission:

Wong Mito Lab, Molecular and Human Genetics, Baylor College of Medicine
Classification: Uncertain significance for MELAS syndrome. Last evaluated: 2019-07-12. Review status: criteria provided, single submitter. Criteria: Modified ACMG Guidelines (Unpublished). Collection method: clinical testing. Allele origin: germline.
Comment: The NC_012920.1:m.9996T>C variant in MT-TG gene is interpreted to be a Unknown Significance variant based on the modified ACMG guidelines (unpublished). This variant meets the following evidence codes reported in the guidelines: BP6, PP3

Literature cited by the submitters: PubMed 31965079.

NC_012920.1(MT-TG):m.9996T>C

Gene: MT-TG (mitochondrially encoded tRNA glycine; plus strand).
Variant type: single nucleotide variant.
Genome position: chrM-9996-T-C.
Identifiers: ClinVar variation 690089 (VCV000690089.1), dbSNP rs1556423755, ClinGen allele CA913182450.